The following is an entry in ClinVar:

NM_004970.3(IGFALS):c.17-80C>T

Gene: IGFALS (insulin like growth factor binding protein acid labile subunit; minus strand). Cytogenetic location: 16p13.3.
Variant type: single nucleotide variant.
Coding change: c.17-80C>T on transcript NM_004970.3 (MANE Select); 80 bases into the intron before coding-DNA position 17, C replaced by T.
Molecular consequence: intron variant. On other transcripts: synonymous variant (1).
Genome position (GRCh38, 1-based): chr16:1,792,481, G>A on the plus strand (C>T on the coding strand, the complement: IGFALS is on the minus strand). VCF-style: chr16-1792481-G-A. GRCh37 (hg19) VCF-style: chr16-1842482-G-A.
Other names: c.51C>T, p.Arg17= (NM_001146006.2).
Identifiers: ClinVar variation 4874326 (VCV004874326.2).
Genomic context (GRCh38, chr16:1,792,481, plus strand): 5'-GGGAGGCGGCCCGAGGAGGGCTCTGCCCGAGTGAGCCTGATACCAGCACAGCCGGAAGCG[G>A]CGCTCAGGTGTGAACTGAGGCTCGAGGTCACCCGCTGAGATGCGAAGAAGCCGGTGAGCC-3'

ClinVar aggregate classification (germline): Likely benign (1 of 4 stars; one submission).

Submission:

CeGaT Center for Human Genetics Tuebingen
Classification: Likely benign. Last evaluated: 2026-04-01. Review status: criteria provided, single submitter. Criteria: CeGaT Center For Human Genetics Tuebingen Variant Classification Criteria Version 2. Collection method: clinical testing. Allele origin: germline. Affected: yes. Observed: 1 variant allele.
Comment: IGFALS: PM2:Supporting, BP4, BP7